The following is an entry in ClinVar:

NM_003227.4(TFR2):c.458T>C (p.Leu153Pro)

Gene: TFR2 (transferrin receptor 2; minus strand). Cytogenetic location: 7q22.1.
Variant type: single nucleotide variant.
Coding change: c.458T>C on transcript NM_003227.4 (MANE Select); coding-DNA position 458, T replaced by C.
Protein change: p.Leu153Pro; replaces leucine 153 with proline.
Molecular consequence: missense variant.
Genome position (GRCh38, 1-based): chr7:100,640,701, A>G on the plus strand (T>C on the coding strand, the complement: TFR2 is on the minus strand). VCF-style: chr7-100640701-A-G. GRCh37 (hg19) VCF-style: chr7-100238324-A-G.
Other names: short protein forms L153P.
Identifiers: ClinVar variation 2168149 (VCV002168149.2), dbSNP rs201540656, ClinGen allele CA4386842.

ClinVar aggregate classification (germline): Uncertain significance (1 of 4 stars; one submission).

Conditions:
Hereditary hemochromatosis (HFE). Identifiers: MedGen C0392514, MONDO:0006507. Disease mechanism: loss of function.

Allele frequency attached by ClinVar (database versions not stated): gnomAD exomes 0.00005; gnomAD 0.00007 and 0.00008; ExAC 0.00008; TOPMed 0.00008; ESP Exome Variant Server 0.00023.
gnomAD v4.1: 88 of 1,612,946 alleles (0.0055%); highest among the groups gnomAD compares: Non-Finnish European, 0.0074%; no homozygotes.

Submission:

Labcorp Genetics (formerly Invitae), Labcorp
Classification: Uncertain significance for Hereditary hemochromatosis. Last evaluated: 2026-01-26. Review status: criteria provided, single submitter. Criteria: Invitae Variant Classification Sherloc (09022015). Collection method: clinical testing. Allele origin: germline.
Comment: This sequence change replaces leucine, which is neutral and non-polar, with proline, which is neutral and non-polar, at codon 153 of the TFR2 protein (p.Leu153Pro). This variant is present in population databases (rs201540656, gnomAD 0.01%). This variant has not been reported in the literature in individuals affected with TFR2-related conditions. ClinVar contains an entry for this variant (Variation ID: 2168149). Invitae Evidence Modeling of protein sequence and biophysical properties (such as structural, functional, and spatial information, amino acid conservation, physicochemical variation, residue mobility, and thermodynamic stability) indicates that this missense variant is not expected to disrupt TFR2 protein function with a negative predictive value of 95%. In summary, the available evidence is currently insufficient to determine the role of this variant in disease. Therefore, it has been classified as a Variant of Uncertain Significance.